The following is an entry in ClinVar:

NM_001128840.3(CACNA1D):c.149T>C (p.Val50Ala)

Gene: CACNA1D (calcium voltage-gated channel subunit alpha1 D; plus strand). Cytogenetic location: 3p21.1.
Variant type: single nucleotide variant.
Coding change: c.149T>C on transcript NM_001128840.3 (MANE Select); coding-DNA position 149, T replaced by C.
Protein change: p.Val50Ala; replaces valine 50 with alanine.
Molecular consequence: missense variant.
Genome position (GRCh38, 1-based): chr3:53,497,233, T>C. VCF-style: chr3-53497233-T-C. GRCh37 (hg19) VCF-style: chr3-53531260-T-C.
Other names: c.149T>C, p.Val50Ala (NM_000720.4, NM_001128839.3); short protein forms V50A.
Identifiers: ClinVar variation 1421329 (VCV001421329.5), dbSNP rs935163999, ClinGen allele CA75053229.

ClinVar aggregate classification (germline): Uncertain significance. Review status: criteria provided, multiple submitters, no conflicts (2 of 4 stars). 2 submissions from 2 submitters: Uncertain significance (2). Last evaluated 2025-10-08.

Conditions:
Aldosterone-producing adenoma with seizures and neurological abnormalities. Also called: Primary aldosteronism, seizures, and neurologic abnormalities. Identifiers: Orphanet 369929, MedGen C3809609, MONDO:0014200, OMIM 615474.
Sinoatrial node dysfunction and deafness (SANDD). Identifiers: Orphanet 324321, MedGen C3554018, MONDO:0013960, OMIM 614896.

Allele frequency attached by ClinVar (database versions not stated): gnomAD exomes below 0.00001 and 0.00001; gnomAD 0.00001; TOPMed 0.00001.
gnomAD v4.1: 6 of 1,614,016 alleles (0.00037%); highest among the groups gnomAD compares: Non-Finnish European, 0.00051%; no homozygotes.

Submissions (2):

Labcorp Genetics (formerly Invitae), Labcorp
Classification: Uncertain significance. Last evaluated: 2025-10-08. Review status: criteria provided, single submitter. Criteria: Invitae Variant Classification Sherloc (09022015). Collection method: clinical testing. Allele origin: germline.
Comment: This sequence change replaces valine, which is neutral and non-polar, with alanine, which is neutral and non-polar, at codon 50 of the CACNA1D protein (p.Val50Ala). This variant is present in population databases (no rsID available, gnomAD 0.0009%). This variant has not been reported in the literature in individuals affected with CACNA1D-related conditions. ClinVar contains an entry for this variant (Variation ID: 1421329). An algorithm developed to predict the effect of missense changes on protein structure and function (PolyPhen-2) suggests that this variant is likely to be tolerated. In summary, the available evidence is currently insufficient to determine the role of this variant in disease. Therefore, it has been classified as a Variant of Uncertain Significance.

Fulgent Genetics
Classification: Uncertain significance for Sinoatrial node dysfunction and deafness; Aldosterone-producing adenoma with seizures and neurological abnormalities. Last evaluated: 2022-01-19. Review status: criteria provided, single submitter. Criteria: ACMG Guidelines, 2015. Collection method: clinical testing. Allele origin: unknown.